The following is an entry in ClinVar:

NM_030662.4(MAP2K2):c.384G>A (p.Pro128=)

Gene: MAP2K2 (mitogen-activated protein kinase kinase 2; minus strand). Cytogenetic location: 19p13.3.
Variant type: single nucleotide variant.
Coding change: c.384G>A on transcript NM_030662.4 (MANE Select); coding-DNA position 384, G replaced by A.
Protein change: p.Pro128=; no amino-acid change (proline 128 retained).
Molecular consequence: synonymous variant.
Genome position (GRCh38, 1-based): chr19:4,110,575, C>T on the plus strand (G>A on the coding strand, the complement: MAP2K2 is on the minus strand). VCF-style: chr19-4110575-C-T. GRCh37 (hg19) VCF-style: chr19-4110573-C-T.
Identifiers: ClinVar variation 163959 (VCV000163959.22), dbSNP rs727503156, ClinGen allele CA176706.

ClinVar aggregate classification (germline): Likely benign. Review status: criteria provided, multiple submitters, no conflicts (2 of 4 stars). 7 submissions from 7 submitters: Likely benign (6). 1 of the submissions does not count toward it. Last evaluated 2026-02-01.

Conditions:
MAP2K2-related disorder. Also called: MAP2K2-related condition.
Cardiovascular phenotype. Identifiers: MedGen CN230736.
RASopathy. Also called: rasopathies; Noonan spectrum disorder. Identifiers: Orphanet 536391, MedGen C5555857, MONDO:0021060.

Allele frequency attached by ClinVar (database versions not stated): gnomAD exomes below 0.00001 and 0.00003; gnomAD 0.00001; TOPMed 0.00002.
gnomAD v4.1: 43 of 1,613,904 alleles (0.0027%); highest among the groups gnomAD compares: Middle Eastern, 0.016%; no homozygotes.

Submissions (7):

CeGaT Center for Human Genetics Tuebingen
Classification: Likely benign. Last evaluated: 2026-02-01. Review status: criteria provided, single submitter. Criteria: CeGaT Center For Human Genetics Tuebingen Variant Classification Criteria Version 2. Collection method: clinical testing. Allele origin: germline. Affected: yes. Observed: 1 variant allele.
Comment: MAP2K2: BP4, BP7

Labcorp Genetics (formerly Invitae), Labcorp
Classification: Likely benign for RASopathy. Last evaluated: 2025-08-11. Review status: criteria provided, single submitter. Criteria: Invitae Variant Classification Sherloc (09022015). Collection method: clinical testing. Allele origin: germline.

Blueprint Genetics
Classification: Likely benign. Last evaluated: 2024-11-11. Review status: criteria provided, single submitter. Criteria: ACMG Guidelines, 2015. Collection method: clinical testing. Allele origin: germline.

Ambry Genetics
Classification: Likely benign for Cardiovascular phenotype. Last evaluated: 2024-10-20. Review status: criteria provided, single submitter. Criteria: Ambry Variant Classification Scheme 2023. Collection method: clinical testing. Allele origin: germline.

Women's Health and Genetics/Laboratory Corporation of America, LabCorp
Classification: Likely benign. Last evaluated: 2021-06-20. Review status: criteria provided, single submitter. Criteria: LabCorp Variant Classification Summary - May 2015. Collection method: clinical testing. Allele origin: germline.

Laboratory for Molecular Medicine, Mass General Brigham Personalized Medicine
Classification: Likely benign. Last evaluated: 2013-04-15. Review status: criteria provided, single submitter. Criteria: LMM Criteria. Collection method: clinical testing. Allele origin: germline. Observed: 1 variant allele.
Comment: Pro128Pro in exon 3 of MAP2K2: This variant is not expected to have clinical si gnificance because it does not alter an amino acid residue and is not located ne ar a splice junction.

PreventionGenetics, part of Exact Sciences
Classification: Likely benign for MAP2K2-related condition. Last evaluated: 2024-04-05. Review status: no assertion criteria provided. Collection method: clinical testing. Allele origin: germline. Not counted in ClinVar's aggregate classification.
Comment: This variant is classified as likely benign based on ACMG/AMP sequence variant interpretation guidelines (Richards et al. 2015 PMID: 25741868, with internal and published modifications).